The following is an entry in ClinVar:

ClinVar aggregate classification (germline): Uncertain significance (1 of 4 stars; one submission).

Submission:

Dasa
Classification: Uncertain significance. Last evaluated: 2025-07-17. Review status: criteria provided, single submitter. Criteria: DASA Assertion Criteria. Collection method: clinical testing. Allele origin: germline.
Comment: NM_001378969.1(KCND3):c.8C>G (p.Ala3Gly) is a missense variant that results in the substitution of alanine with glycine. This variant is absent from population databases. The currently available literature and clinical evidence are not sufficient to establish a definitive association between this variant and the reported condition. Therefore, this variant is classified as a variant of uncertain significance.

NM_001378969.1(KCND3):c.8C>G (p.Ala3Gly)

Gene: KCND3 (potassium voltage-gated channel subfamily D member 3; minus strand). Cytogenetic location: 1p13.2.
Variant type: single nucleotide variant.
Coding change: c.8C>G on transcript NM_001378969.1 (MANE Select); coding-DNA position 8, C replaced by G.
Protein change: p.Ala3Gly; replaces alanine 3 with glycine.
Molecular consequence: missense variant.
Genome position (GRCh38, 1-based): chr1:111,982,719, G>C on the plus strand (C>G on the coding strand, the complement: KCND3 is on the minus strand). VCF-style: chr1-111982719-G-C. GRCh37 (hg19) VCF-style: chr1-112525341-G-C.
Other names: c.8C>G, p.Ala3Gly (NM_001378970.1, NM_004980.5, NM_172198.3); short protein forms A3G.
Identifiers: ClinVar variation 4881802 (VCV004881802.2).